The following is an entry in ClinVar:

NM_182700.6(SP8):c.480G>T (p.Gly160=)

Gene: SP8 (Sp8 transcription factor; minus strand). Cytogenetic location: 7p21.1.
Variant type: single nucleotide variant.
Coding change: c.480G>T on transcript NM_182700.6 (MANE Select); coding-DNA position 480, G replaced by T.
Protein change: p.Gly160=; no amino-acid change (glycine 160 retained).
Molecular consequence: synonymous variant.
Genome position (GRCh38, 1-based): chr7:20,785,337, C>A on the plus strand (G>T on the coding strand, the complement: SP8 is on the minus strand). VCF-style: chr7-20785337-C-A. GRCh37 (hg19) VCF-style: chr7-20824956-C-A.
Other names: c.426G>T, p.Gly142= (NM_198956.4).
Identifiers: ClinVar variation 3056693 (VCV003056693.2), dbSNP rs201180283, ClinGen allele CA454137896.

ClinVar aggregate classification (germline): Likely benign (0 of 4 stars; one submission).

Conditions:
SP8-related disorder. Also called: SP8-related condition.

Submission:

PreventionGenetics, part of Exact Sciences
Classification: Likely benign for SP8-related condition. Last evaluated: 2020-06-11. Review status: no assertion criteria provided. Collection method: clinical testing. Allele origin: germline.
Comment: This variant is classified as likely benign based on ACMG/AMP sequence variant interpretation guidelines (Richards et al. 2015 PMID: 25741868, with internal and published modifications).